The following is an entry in ClinVar:

ClinVar aggregate classification (germline): Uncertain significance (1 of 4 stars; one submission).

Conditions:
Immunodeficiency, common variable, 10. Also called: DEFICIT IN ANTERIOR PITUITARY FUNCTION AND VARIABLE IMMUNODEFICIENCY; IMMUNODEFICIENCY, COMMON VARIABLE, WITH CENTRAL ADRENAL INSUFFICIENCY. Identifiers: MedGen C3809991, MONDO:0014260, OMIM 615577.

Allele frequency attached by ClinVar (database versions not stated): gnomAD exomes 0.00001.

Submission:

Labcorp Genetics (formerly Invitae), Labcorp
Classification: Uncertain significance for Immunodeficiency, common variable, 10. Last evaluated: 2020-02-11. Review status: criteria provided, single submitter. Criteria: Invitae Variant Classification Sherloc (09022015). Collection method: clinical testing. Allele origin: germline.
Comment: This variant has not been reported in the literature in individuals with NFKB2-related conditions. This sequence change replaces threonine with alanine at codon 811 of the NFKB2 protein (p.Thr811Ala). The threonine residue is weakly conserved and there is a small physicochemical difference between threonine and alanine. This variant is not present in population databases (ExAC no frequency). Algorithms developed to predict the effect of missense changes on protein structure and function output the following: SIFT: "Tolerated"; PolyPhen-2: "Benign"; Align-GVGD: "Class C0". The alanine amino acid residue is found in multiple mammalian species, suggesting that this missense change does not adversely affect protein function. These predictions have not been confirmed by published functional studies and their clinical significance is uncertain. In summary, the available evidence is currently insufficient to determine the role of this variant in disease. Therefore, it has been classified as a Variant of Uncertain Significance.

NM_001322934.2(NFKB2):c.2431A>G (p.Thr811Ala)

Gene: NFKB2 (nuclear factor kappa B subunit 2; plus strand). Cytogenetic location: 10q24.32.
Variant type: single nucleotide variant.
Coding change: c.2431A>G on transcript NM_001322934.2 (MANE Select); coding-DNA position 2431, A replaced by G.
Protein change: p.Thr811Ala; replaces threonine 811 with alanine.
Molecular consequence: missense variant.
Genome position (GRCh38, 1-based): chr10:102,401,882, A>G. VCF-style: chr10-102401882-A-G. GRCh37 (hg19) VCF-style: chr10-104161639-A-G.
Other names: c.2431A>G, p.Thr811Ala (NM_001077494.3, NM_001261403.3, NM_001288724.1 and 1 more transcripts); c.2305A>G, p.Thr769Ala (NM_001322935.1); short protein forms T769A, T811A.
Identifiers: ClinVar variation 1006434 (VCV001006434.9), dbSNP rs1477476002, ClinGen allele CA377905811.